The following is an entry in ClinVar:

ClinVar aggregate classification (germline): Uncertain significance (1 of 4 stars; one submission).

Submission:

Labcorp Genetics (formerly Invitae), Labcorp
Classification: Uncertain significance. Last evaluated: 2025-12-03. Review status: criteria provided, single submitter. Criteria: Invitae Variant Classification Sherloc (09022015). Collection method: clinical testing. Allele origin: germline.
Comment: This sequence change replaces alanine, which is neutral and non-polar, with glycine, which is neutral and non-polar, at codon 350 of the SCNN1G protein (p.Ala350Gly). This variant is present in population databases (rs761118395, gnomAD 0.01%). This variant has not been reported in the literature in individuals affected with SCNN1G-related conditions. Invitae Evidence Modeling of protein sequence and biophysical properties (such as structural, functional, and spatial information, amino acid conservation, physicochemical variation, residue mobility, and thermodynamic stability) indicates that this missense variant is not expected to disrupt SCNN1G protein function with a negative predictive value of 80%. In summary, the available evidence is currently insufficient to determine the role of this variant in disease. Therefore, it has been classified as a Variant of Uncertain Significance.

NM_001039.4(SCNN1G):c.1049C>G (p.Ala350Gly)

Gene: SCNN1G (sodium channel epithelial 1 subunit gamma; plus strand). Cytogenetic location: 16p12.2.
Variant type: single nucleotide variant.
Coding change: c.1049C>G on transcript NM_001039.4 (MANE Select); coding-DNA position 1049, C replaced by G.
Protein change: p.Ala350Gly; replaces alanine 350 with glycine.
Molecular consequence: missense variant.
Genome position (GRCh38, 1-based): chr16:23,197,399, C>G. VCF-style: chr16-23197399-C-G. GRCh37 (hg19) VCF-style: chr16-23208720-C-G.
Other names: short protein forms A350G.
Identifiers: ClinVar variation 4744728 (VCV004744728.1).